The following is an entry in ClinVar:

ClinVar aggregate classification (germline): Uncertain significance. Review status: criteria provided, multiple submitters, no conflicts (2 of 4 stars). 7 submissions from 2 submitters: Uncertain significance (7). Last evaluated 2019-07-09.

Conditions:
Stiff skin syndrome (SSKS). Identifiers: Orphanet 2833, MedGen C1861456, MONDO:0008492, OMIM 184900.
Weill-Marchesani syndrome. Also called: WM Syndrome; Mesodermal dysmorphodystrophy congenital. Identifiers: Orphanet 3449, MedGen C0265313, MONDO:0018096.
Familial thoracic aortic aneurysm and aortic dissection (TAAD). Also called: Thoracic aortic aneurysms and dissections. Identifiers: Orphanet 91387, MedGen C4707243, MONDO:0019625.
Acromicric dysplasia (ACMICD). Also called: Acromicric skeletal dysplasia. Identifiers: Orphanet 969, MedGen C0265287, MONDO:0007055, OMIM 102370.
Marfan syndrome (MFS). Also called: Marfan syndrome type 1; Marfan's syndrome; MARFAN SYNDROME, TYPE I; Marfan syndrome, classic; FBN1-Related Marfan Syndrome. Identifiers: Orphanet 284963, Orphanet 558, MedGen C0024796, MONDO:0007947, OMIM 154700.
Ectopia lentis 1, isolated, autosomal dominant (ECTOL1). Identifiers: Orphanet 1885, MedGen C3541518, MONDO:0007514, OMIM 129600.

Submissions (7):

Color Diagnostics, LLC DBA Color Health
Classification: Uncertain significance for Familial thoracic aortic aneurysm and aortic dissection. Last evaluated: 2019-07-09. Review status: criteria provided, single submitter. Criteria: ACMG Guidelines, 2015. Collection method: clinical testing. Allele origin: germline.
Comment: This missense variant replaces threonine with isoleucine at codon 968 of the FBN1 protein. Computational prediction tools and conservation analyses are inconclusive regarding the impact of this variant on the protein function. Computational splicing tools suggest that this variant may not impact RNA splicing. To our knowledge, functional assays have not been performed for this variant nor has this variant been reported in individuals affected with cardiovascular disorders in the literature. This variant has not been identified in the general population by the Genome Aggregation Database (gnomAD). Available evidence is insufficient to determine the role of this variant in disease conclusively. Therefore, this variant is classified as a Variant of Uncertain Significance.

Illumina Laboratory Services, Illumina
Classification: Uncertain significance for Acromicric dysplasia. Last evaluated: 2018-01-12. Review status: criteria provided, single submitter. Criteria: ICSL Variant Classification Criteria 13 December 2019. Collection method: clinical testing. Allele origin: germline.

Illumina Laboratory Services, Illumina
Classification: Uncertain significance for Familial thoracic aortic aneurysm and aortic dissection. Last evaluated: 2018-01-12. Review status: criteria provided, single submitter. Criteria: ICSL Variant Classification Criteria 13 December 2019. Collection method: clinical testing. Allele origin: germline.

Illumina Laboratory Services, Illumina
Classification: Uncertain significance for Marfan syndrome. Last evaluated: 2018-01-12. Review status: criteria provided, single submitter. Criteria: ICSL Variant Classification Criteria 13 December 2019. Collection method: clinical testing. Allele origin: germline.

Illumina Laboratory Services, Illumina
Classification: Uncertain significance for Stiff skin syndrome. Last evaluated: 2018-01-12. Review status: criteria provided, single submitter. Criteria: ICSL Variant Classification Criteria 13 December 2019. Collection method: clinical testing. Allele origin: germline.

Illumina Laboratory Services, Illumina
Classification: Uncertain significance for Weill-Marchesani syndrome. Last evaluated: 2018-01-12. Review status: criteria provided, single submitter. Criteria: ICSL Variant Classification Criteria 13 December 2019. Collection method: clinical testing. Allele origin: germline.

Illumina Laboratory Services, Illumina
Classification: Uncertain significance for Ectopia lentis 1, isolated, autosomal dominant. Last evaluated: 2018-01-12. Review status: criteria provided, single submitter. Criteria: ICSL Variant Classification Criteria 13 December 2019. Collection method: clinical testing. Allele origin: germline.

NM_000138.5(FBN1):c.2903C>T (p.Thr968Ile)

Gene: FBN1 (fibrillin 1; minus strand). Cytogenetic location: 15q21.1.
Variant type: single nucleotide variant.
Coding change: c.2903C>T on transcript NM_000138.5 (MANE Select); coding-DNA position 2903, C replaced by T.
Protein change: p.Thr968Ile; replaces threonine 968 with isoleucine.
Molecular consequence: missense variant.
Genome position (GRCh38, 1-based): chr15:48,490,030, G>A on the plus strand (C>T on the coding strand, the complement: FBN1 is on the minus strand). VCF-style: chr15-48490030-G-A. GRCh37 (hg19) VCF-style: chr15-48782227-G-A.
Other names: short protein forms T968I.
Identifiers: ClinVar variation 316382 (VCV000316382.9), dbSNP rs781698952, ClinGen allele CA10646197.